The following is an entry in ClinVar:

ClinVar aggregate classification (germline): Uncertain significance (1 of 4 stars; one submission).

Conditions:
Hereditary pancreatitis (PCTT). Also called: Hereditary chronic pancreatitis; PRSS1-Related Hereditary Pancreatitis. Identifiers: Orphanet 676, MedGen C0238339, MONDO:0008185, OMIM 167800.

Submission:

Ambry Genetics
Classification: Uncertain significance for Hereditary pancreatitis. Last evaluated: 2025-11-21. Review status: criteria provided, single submitter. Criteria: Ambry Variant Classification Scheme 2023. Collection method: clinical testing. Allele origin: germline.
Comment: The p.I179V variant (also known as c.535A>G), located in coding exon 4 of the PRSS1 gene, results from an A to G substitution at nucleotide position 535. The isoleucine at codon 179 is replaced by valine, an amino acid with highly similar properties. This amino acid position is highly conserved in available vertebrate species. In addition, the in silico prediction for this alteration is inconclusive. Based on the available evidence, the clinical significance of this variant remains unclear.

NM_002769.5(PRSS1):c.535A>G (p.Ile179Val)

Genes: PRSS1 (serine protease 1; plus strand), TRB (T cell receptor beta locus; plus strand). Cytogenetic location: 7q34.
Variant type: single nucleotide variant.
Coding change: c.535A>G on transcript NM_002769.5 (MANE Select); coding-DNA position 535, A replaced by G.
Protein change: p.Ile179Val; replaces isoleucine 179 with valine.
Molecular consequence: missense variant. On other transcripts: non-coding transcript variant (5).
Genome position (GRCh38, 1-based): chr7:142,752,511, A>G. VCF-style: chr7-142752511-A-G. GRCh37 (hg19) VCF-style: chr7-142460362-A-G.
Other names: short protein forms I179V.
Identifiers: ClinVar variation 4560593 (VCV004560593.1).